The following is an entry in ClinVar:

ClinVar aggregate classification (germline): Benign (1 of 4 stars; one submission).

Submission:

Unidad de Genómica Garrahan, Hospital de Pediatría Garrahan
Classification: Benign. Last evaluated: 2023-11-12. Review status: criteria provided, single submitter. Criteria: ACMG Guidelines, 2015. Collection method: clinical testing. Allele origin: germline. Affected: no. Observed: 30 variant alleles.
Comment: This variant is classified as Benign based on local population frequency. This variant was detected in 31% of patients studied by a panel of primary immunodeficiencies. Number of patients: 30. Only high quality variants are reported.

NM_005026.5(PIK3CD):c.141+37AG[12]

Gene: PIK3CD (phosphatidylinositol-4,5-bisphosphate 3-kinase catalytic subunit delta; plus strand). Cytogenetic location: 1p36.22.
Variant type: Microsatellite.
Coding change: c.141+37AG[12] on transcript NM_005026.5 (MANE Select); 12 copies in a row of the 2-base unit AG starting at c.141+37.
Molecular consequence: intron variant.
Genome position: GRCh38 VCF-style: chr1-9710632-C-CAG. GRCh37 (hg19) VCF-style: chr1-9770690-C-CAG.
Other names: c.141+37AG[12] (NM_001350234.2, NM_001350235.1).
Identifiers: ClinVar variation 2628235 (VCV002628235.2), dbSNP rs34885574, ClinGen allele CA576784.
Genomic context (GRCh38, chr1:9,710,632, plus strand): 5'-TGCCAACCTCAGCACCATCAAGCAGGTATGGCCTCCATCCGGTCCTCAGACCTTGGTGCT[C>CAG]AGAGAGAGAGAGAGAGAGAGAGACACAGATAGACAGACAGACAGACAGACAGATGGACAG-3'